The following is an entry in ClinVar:

ClinVar aggregate classification (germline): Likely benign (1 of 4 stars; one submission).

Allele frequency attached by ClinVar (database versions not stated): gnomAD exomes 0.00005; ExAC 0.00006; 1000 Genomes Project 30x 0.00016; TOPMed 0.00017; gnomAD 0.00019; 1000 Genomes Project 0.00020.
gnomAD v4.1: 102 of 1,613,640 alleles (0.0063%); highest among the groups gnomAD compares: Admixed American, 0.03%; no homozygotes.

Submission:

CeGaT Center for Human Genetics Tuebingen
Classification: Likely benign. Last evaluated: 2023-05-01. Review status: criteria provided, single submitter. Criteria: CeGaT Center For Human Genetics Tuebingen Variant Classification Criteria Version 2. Collection method: clinical testing. Allele origin: germline. Affected: yes. Observed: 1 variant allele.
Comment: FLG: BP4, BP7

NM_002016.2(FLG):c.3693G>A (p.Arg1231=)

Genes: CCDST (cervical cancer associated DHX9 suppressive transcript; plus strand), FLG (filaggrin; minus strand). Cytogenetic location: 1q21.3.
Variant type: single nucleotide variant.
Coding change: c.3693G>A on transcript NM_002016.2 (MANE Select); coding-DNA position 3693, G replaced by A.
Protein change: p.Arg1231=; no amino-acid change (arginine 1231 retained).
Molecular consequence: synonymous variant.
Genome position (GRCh38, 1-based): chr1:152,311,193, C>T on the plus strand (G>A on the coding strand, the complement: FLG is on the minus strand). VCF-style: chr1-152311193-C-T. GRCh37 (hg19) VCF-style: chr1-152283669-C-T.
Identifiers: ClinVar variation 2639294 (VCV002639294.24), dbSNP rs199949996, ClinGen allele CA1106555.